The following is an entry in ClinVar:

NM_001035.3(RYR2):c.5032A>G (p.Ser1678Gly)

Gene: RYR2 (ryanodine receptor 2; plus strand). Cytogenetic location: 1q43.
Variant type: single nucleotide variant.
Coding change: c.5032A>G on transcript NM_001035.3 (MANE Select); coding-DNA position 5032, A replaced by G.
Protein change: p.Ser1678Gly; replaces serine 1678 with glycine.
Molecular consequence: missense variant.
Genome position (GRCh38, 1-based): chr1:237,614,160, A>G. VCF-style: chr1-237614160-A-G. GRCh37 (hg19) VCF-style: chr1-237777460-A-G.
Other names: short protein forms S1678G.
Identifiers: ClinVar variation 4752342 (VCV004752342.1).

ClinVar aggregate classification (germline): Uncertain significance (1 of 4 stars; one submission).

Conditions:
Catecholaminergic polymorphic ventricular tachycardia 1. Also called: VENTRICULAR TACHYCARDIA, CATECHOLAMINERGIC POLYMORPHIC, 1, WITH OR WITHOUT ATRIAL DYSFUNCTION AND/OR DILATED CARDIOMYOPATHY; RYR2-Related Catecholaminergic Polymorphic Ventricular Tachycardia; VENTRICULAR TACHYCARDIA, STRESS-INDUCED POLYMORPHIC 1. Identifiers: Orphanet 3286, MedGen C1631597, MONDO:0011484, OMIM 604772.

gnomAD v4.1: 14 of 1,614,010 alleles (0.00087%); highest among the groups gnomAD compares: Non-Finnish European, 0.0012%; no homozygotes.

Submission:

Labcorp Genetics (formerly Invitae), Labcorp
Classification: Uncertain significance for Catecholaminergic polymorphic ventricular tachycardia 1. Last evaluated: 2025-10-14. Review status: criteria provided, single submitter. Criteria: Invitae Variant Classification Sherloc (09022015). Collection method: clinical testing. Allele origin: germline.
Comment: This sequence change replaces serine, which is neutral and polar, with glycine, which is neutral and non-polar, at codon 1678 of the RYR2 protein (p.Ser1678Gly). This variant is present in population databases (no rsID available, gnomAD 0.0009%). This variant has not been reported in the literature in individuals affected with RYR2-related conditions. Invitae Evidence Modeling of protein sequence and biophysical properties (such as structural, functional, and spatial information, amino acid conservation, physicochemical variation, residue mobility, and thermodynamic stability) has been performed for this missense variant. However, the output from this modeling did not meet the statistical confidence thresholds required to predict the impact of this variant on RYR2 protein function. In summary, the available evidence is currently insufficient to determine the role of this variant in disease. Therefore, it has been classified as a Variant of Uncertain Significance.